The following is an entry in ClinVar:

ClinVar aggregate classification (germline): Uncertain significance (1 of 4 stars; one submission).

Conditions:
Cardiovascular phenotype. Identifiers: MedGen CN230736.
Hereditary cancer-predisposing syndrome. Also called: Hereditary Cancer Syndrome; Neoplastic Syndromes, Hereditary; Tumor predisposition; Hereditary neoplastic syndrome. Identifiers: Orphanet 140162, MedGen C0027672, MeSH D009386, MONDO:0015356.

gnomAD v4.1: 1 of 1,611,580 alleles (0.000062%); no homozygotes.

Submission:

Ambry Genetics
Classification: Uncertain significance for Cardiovascular phenotype; Hereditary cancer-predisposing syndrome. Last evaluated: 2021-04-01. Review status: criteria provided, single submitter. Criteria: Ambry Variant Classification Scheme 2023. Collection method: clinical testing. Allele origin: germline.
Comment: The p.W162S variant (also known as c.485G>C), located in coding exon 5 of the LZTR1 gene, results from a G to C substitution at nucleotide position 485. The tryptophan at codon 162 is replaced by serine, an amino acid with highly dissimilar properties. This amino acid position is highly conserved in available vertebrate species. In addition, this alteration is predicted to be deleterious by in silico analysis. Since supporting evidence is limited at this time, the clinical significance of this alteration remains unclear.

NM_006767.4(LZTR1):c.485G>C (p.Trp162Ser)

Gene: LZTR1 (leucine zipper like post translational regulator 1; plus strand). Cytogenetic location: 22q11.21.
Variant type: single nucleotide variant.
Coding change: c.485G>C on transcript NM_006767.4 (MANE Select); coding-DNA position 485, G replaced by C.
Protein change: p.Trp162Ser; replaces tryptophan 162 with serine.
Molecular consequence: missense variant.
Genome position (GRCh38, 1-based): chr22:20,988,094, G>C. VCF-style: chr22-20988094-G-C. GRCh37 (hg19) VCF-style: chr22-21342383-G-C.
Other names: short protein forms W162S.
Identifiers: ClinVar variation 1743628 (VCV001743628.2), dbSNP rs1458120855, ClinGen allele CA410779890.